The following is an entry in ClinVar:

NM_001127208.3(TET2):c.2281C>A (p.Pro761Thr)

Genes: TET2 (tet methylcytosine dioxygenase 2; plus strand), TET2-AS1 (TET2 antisense RNA 1; minus strand). Cytogenetic location: 4q24.
Variant type: single nucleotide variant.
Coding change: c.2281C>A on transcript NM_001127208.3 (MANE Select); coding-DNA position 2281, C replaced by A.
Protein change: p.Pro761Thr; replaces proline 761 with threonine.
Molecular consequence: missense variant.
Genome position (GRCh38, 1-based): chr4:105,236,223, C>A. VCF-style: chr4-105236223-C-A. GRCh37 (hg19) VCF-style: chr4-106157380-C-A.
Other names: c.2281C>A, p.Pro761Thr (NM_017628.4); short protein forms P761T.
Identifiers: ClinVar variation 4182954 (VCV004182954.1).

ClinVar aggregate classification (germline): Uncertain significance (1 of 4 stars; one submission).

Submission:

Ambry Genetics
Classification: Uncertain significance. Last evaluated: 2025-07-10. Review status: criteria provided, single submitter. Criteria: Ambry Variant Classification Scheme 2023. Collection method: clinical testing. Allele origin: germline.
Comment: The p.P761T variant (also known as c.2281C>A), located in coding exon 1 of the TET2 gene, results from a C to A substitution at nucleotide position 2281. The proline at codon 761 is replaced by threonine, an amino acid with highly similar properties. This amino acid position is conserved. In addition, this alteration is predicted to be tolerated by in silico analysis. Based on the available evidence, the clinical significance of this variant remains unclear.